The following is an entry in ClinVar:

ClinVar aggregate classification (germline): Uncertain significance (1 of 4 stars; one submission).

Allele frequency attached by ClinVar (database versions not stated): gnomAD exomes below 0.00001; ExAC 0.00004; gnomAD 0.00009; TOPMed 0.00012; 1000 Genomes Project 0.00020; 1000 Genomes Project 30x 0.00031.

Submission:

Labcorp Genetics (formerly Invitae), Labcorp
Classification: Uncertain significance. Last evaluated: 2022-05-24. Review status: criteria provided, single submitter. Criteria: Invitae Variant Classification Sherloc (09022015). Collection method: clinical testing. Allele origin: germline.
Comment: This sequence change replaces proline, which is neutral and non-polar, with leucine, which is neutral and non-polar, at codon 132 of the FDX2 protein (p.Pro132Leu). This variant is present in population databases (rs550910909, gnomAD 0.04%). This variant has not been reported in the literature in individuals affected with FDX2-related conditions. Algorithms developed to predict the effect of missense changes on protein structure and function are either unavailable or do not agree on the potential impact of this missense change (SIFT: "Deleterious"; PolyPhen-2: "Not Available"; Align-GVGD: "Class C0"). In summary, the available evidence is currently insufficient to determine the role of this variant in disease. Therefore, it has been classified as a Variant of Uncertain Significance.

NM_001397406.1(FDX2):c.386C>T (p.Pro129Leu)

Genes: FDX2 (ferredoxin 2; minus strand), FDX2-ZGLP1 (FDX2-ZGLP1 readthrough; minus strand). Cytogenetic location: 19p13.2.
Variant type: single nucleotide variant.
Coding change: c.386C>T on transcript NM_001397406.1 (MANE Select); coding-DNA position 386, C replaced by T.
Protein change: p.Pro129Leu; replaces proline 129 with leucine.
Molecular consequence: missense variant.
Genome position (GRCh38, 1-based): chr19:10,310,862, G>A on the plus strand (C>T on the coding strand, the complement: FDX2 is on the minus strand). VCF-style: chr19-10310862-G-A. GRCh37 (hg19) VCF-style: chr19-10421538-G-A.
Other names: c.395C>T, p.Pro132Leu (NM_001031734.4); short protein forms P132L, P129L.
Identifiers: ClinVar variation 2174488 (VCV002174488.1), dbSNP rs550910909, ClinGen allele CA9191229.